The following is an entry in ClinVar:

NM_005263.5(GFI1):c.1015C>G (p.Pro339Ala)

Gene: GFI1 (growth factor independent 1 transcriptional repressor; minus strand). Cytogenetic location: 1p22.1.
Variant type: single nucleotide variant.
Coding change: c.1015C>G on transcript NM_005263.5 (MANE Select); coding-DNA position 1015, C replaced by G.
Protein change: p.Pro339Ala; replaces proline 339 with alanine.
Molecular consequence: missense variant.
Genome position (GRCh38, 1-based): chr1:92,478,663, G>C on the plus strand (C>G on the coding strand, the complement: GFI1 is on the minus strand). VCF-style: chr1-92478663-G-C. GRCh37 (hg19) VCF-style: chr1-92944220-G-C.
Other names: c.1015C>G, p.Pro339Ala (NM_001127215.3, NM_001127216.3); short protein forms P339A.
Identifiers: ClinVar variation 4812170 (VCV004812170.1).

ClinVar aggregate classification (germline): Uncertain significance (1 of 4 stars; one submission).

Conditions:
Neutropenia, severe congenital, 2, autosomal dominant. Identifiers: Orphanet 486, MedGen C2751288, MONDO:0013139, OMIM 613107.

Submission:

Labcorp Genetics (formerly Invitae), Labcorp
Classification: Uncertain significance for Neutropenia, severe congenital, 2, autosomal dominant. Last evaluated: 2025-10-23. Review status: criteria provided, single submitter. Criteria: Invitae Variant Classification Sherloc (09022015). Collection method: clinical testing. Allele origin: germline.
Comment: This sequence change replaces proline, which is neutral and non-polar, with alanine, which is neutral and non-polar, at codon 339 of the GFI1 protein (p.Pro339Ala). This variant is not present in population databases (gnomAD no frequency). This variant has not been reported in the literature in individuals affected with GFI1-related conditions. Invitae Evidence Modeling of protein sequence and biophysical properties (such as structural, functional, and spatial information, amino acid conservation, physicochemical variation, residue mobility, and thermodynamic stability) indicates that this missense variant is expected to disrupt GFI1 protein function with a positive predictive value of 80%. In summary, the available evidence is currently insufficient to determine the role of this variant in disease. Therefore, it has been classified as a Variant of Uncertain Significance.